The following is an entry in ClinVar:

NM_206933.4(USH2A):c.9803G>A (p.Cys3268Tyr)

Gene: USH2A (usherin; minus strand). Cytogenetic location: 1q41.
Variant type: single nucleotide variant.
Coding change: c.9803G>A on transcript NM_206933.4 (MANE Select); coding-DNA position 9803, G replaced by A.
Protein change: p.Cys3268Tyr; replaces cysteine 3268 with tyrosine.
Molecular consequence: missense variant.
Genome position (GRCh38, 1-based): chr1:215,799,062, C>T on the plus strand (G>A on the coding strand, the complement: USH2A is on the minus strand). VCF-style: chr1-215799062-C-T. GRCh37 (hg19) VCF-style: chr1-215972404-C-T.
Other names: short protein forms C3268Y.
Identifiers: ClinVar variation 864631 (VCV000864631.13), dbSNP rs1662225145, ClinGen allele CA344849659.

ClinVar aggregate classification (germline): Uncertain significance. Review status: criteria provided, multiple submitters, no conflicts (2 of 4 stars). 5 submissions from 4 submitters: Uncertain significance (4). 1 of the submissions does not count toward it. Last evaluated 2023-11-04.

Conditions:
Usher syndrome type 2A. Also called: RETINAL DISEASE IN USHER SYNDROME TYPE IIA, MODIFIER OF; USHER SYNDROME, TYPE IIA. Identifiers: Orphanet 231178, Orphanet 886, MedGen C1848634, MONDO:0010169, OMIM 276901.
Retinal dystrophy. Also called: Inherited retinal dystrophy. Identifiers: Orphanet 71862, MedGen C0854723, MeSH D058499, MONDO:0019118, HP:0000556.
Retinitis pigmentosa 39 (RP39). Identifiers: Orphanet 791, MedGen C3151138, MONDO:0013436, OMIM 613809.

Submissions (5):

Genome-Nilou Lab
Classification: Uncertain significance for Retinitis pigmentosa 39. Last evaluated: 2023-11-04. Review status: criteria provided, single submitter. Criteria: ACMG Guidelines, 2015. Collection method: clinical testing. Allele origin: germline. Affected: no.

Genome-Nilou Lab
Classification: Uncertain significance for Usher syndrome type 2A. Last evaluated: 2023-11-04. Review status: criteria provided, single submitter. Criteria: ACMG Guidelines, 2015. Collection method: clinical testing. Allele origin: germline. Affected: no.

GeneDx
Classification: Uncertain significance. Last evaluated: 2023-02-13. Review status: criteria provided, single submitter. Criteria: GeneDx Variant Classification Process June 2021. Collection method: clinical testing. Allele origin: germline. Affected: yes.
Comment: Not observed at significant frequency in large population cohorts (gnomAD); In silico analysis supports that this missense variant has a deleterious effect on protein structure/function; Has not been previously published as pathogenic or benign to our knowledge

Labcorp Genetics (formerly Invitae), Labcorp
Classification: Uncertain significance. Last evaluated: 2019-12-20. Review status: criteria provided, single submitter. Criteria: Invitae Variant Classification Sherloc (09022015). Collection method: clinical testing. Allele origin: germline.
Comment: In summary, the available evidence is currently insufficient to determine the role of this variant in disease. Therefore, it has been classified as a Variant of Uncertain Significance. Algorithms developed to predict the effect of missense changes on protein structure and function are either unavailable or do not agree on the potential impact of this missense change (SIFT: "Deleterious"; PolyPhen-2: "Probably Damaging"; Align-GVGD: "Class C0"). This variant has not been reported in the literature in individuals with USH2A-related conditions. This variant is not present in population databases (ExAC no frequency). This sequence change replaces cysteine with tyrosine at codon 3268 of the USH2A protein (p.Cys3268Tyr). The cysteine residue is highly conserved and there is a large physicochemical difference between cysteine and tyrosine.

Institute of Human Genetics, Univ. Regensburg, Univ. Regensburg
Classification: Uncertain significance for Retinal dystrophy. Last evaluated: 2021-01-01. Review status: no assertion criteria provided. Criteria: ACMG Guidelines, 2015. Collection method: clinical testing. Allele origin: germline. Affected: yes. Not counted in ClinVar's aggregate classification.